The following is an entry in ClinVar:

NM_001267550.2(TTN):c.50914T>G (p.Leu16972Val)

Genes: TTN (titin; minus strand), TTN-AS1 (TTN antisense RNA 1; plus strand). Cytogenetic location: 2q31.2.
Variant type: single nucleotide variant.
Coding change: c.50914T>G on transcript NM_001267550.2 (MANE Select); coding-DNA position 50914, T replaced by G.
Protein change: p.Leu16972Val; replaces leucine 16972 with valine.
Molecular consequence: missense variant.
Genome position (GRCh38, 1-based): chr2:178,611,215, A>C on the plus strand (T>G on the coding strand, the complement: TTN is on the minus strand). VCF-style: chr2-178611215-A-C. GRCh37 (hg19) VCF-style: chr2-179475942-A-C.
Other names: p.Leu14404Val; c.45991T>G, p.Leu15331Val (NM_001256850.1); c.23719T>G, p.Leu7907Val (NM_003319.4); c.43210T>G, p.Leu14404Val (NM_133378.4); c.24094T>G, p.Leu8032Val (NM_133432.3); c.24295T>G, p.Leu8099Val (NM_133437.4); short protein forms L14404V, L15331V, L16972V, L7907V, L8032V, L8099V.
Identifiers: ClinVar variation 2682776 (VCV002682776.1), dbSNP rs2470480116, ClinGen allele CA349590864.
Genomic context (GRCh38, chr2:178,611,215, plus strand): 5'-CATCTTTATGCCAACTAACAGTTGGAACTGGGACAGCTCTGAAGGGAACAGGAATGCTTA[A>C]CTTTTCACCTTCAATAACAATAATGTCATGAGTCTCCAGGTCAATTGTTGGCTTGCCTGT-3'
Protein context (NP_001254479.2, residues 16962-16982): HDIIVIEGEK[Leu16972Val]SIPVPFRAVP

ClinVar aggregate classification (germline): Uncertain significance (1 of 4 stars; one submission).

Submission:

Mayo Clinic Laboratories, Mayo Clinic
Classification: Uncertain significance. Last evaluated: 2023-04-27. Review status: criteria provided, single submitter. Criteria: ACMG Guidelines, 2015. Collection method: clinical testing. Allele origin: germline. Observed: 1 variant allele.
Comment: PM2